The following is an entry in ClinVar:

ClinVar aggregate classification (germline): Uncertain significance (1 of 4 stars; one submission).

Conditions:
Kabuki syndrome. Also called: NIIKAWA-KUROKI SYNDROME; Kabuki make-up syndrome. Identifiers: Orphanet 2322, MedGen C0796004, MONDO:0016512.

Submission:

Labcorp Genetics (formerly Invitae), Labcorp
Classification: Uncertain significance for Kabuki syndrome. Last evaluated: 2025-11-24. Review status: criteria provided, single submitter. Criteria: Invitae Variant Classification Sherloc (09022015). Collection method: clinical testing. Allele origin: germline.
Comment: This sequence change replaces histidine, which is basic and polar, with arginine, which is basic and polar, at codon 2486 of the KMT2D protein (p.His2486Arg). This variant is not present in population databases (gnomAD no frequency). This variant has not been reported in the literature in individuals affected with KMT2D-related conditions. Invitae Evidence Modeling of protein sequence and biophysical properties (such as structural, functional, and spatial information, amino acid conservation, physicochemical variation, residue mobility, and thermodynamic stability) indicates that this missense variant is not expected to disrupt KMT2D protein function with a negative predictive value of 95%. In summary, the available evidence is currently insufficient to determine the role of this variant in disease. Therefore, it has been classified as a Variant of Uncertain Significance.

NM_003482.4(KMT2D):c.7457A>G (p.His2486Arg)

Gene: KMT2D (lysine methyltransferase 2D; minus strand). Cytogenetic location: 12q13.12.
Variant type: single nucleotide variant.
Coding change: c.7457A>G on transcript NM_003482.4 (MANE Select); coding-DNA position 7457, A replaced by G.
Protein change: p.His2486Arg; replaces histidine 2486 with arginine.
Molecular consequence: missense variant.
Genome position (GRCh38, 1-based): chr12:49,040,313, T>C on the plus strand (A>G on the coding strand, the complement: KMT2D is on the minus strand). VCF-style: chr12-49040313-T-C. GRCh37 (hg19) VCF-style: chr12-49434096-T-C.
Other names: short protein forms H2486R.
Identifiers: ClinVar variation 4694562 (VCV004694562.1).